The following is an entry in ClinVar:

ClinVar aggregate classification (germline): Uncertain significance. Review status: criteria provided, multiple submitters, no conflicts (2 of 4 stars). 2 submissions from 2 submitters: Uncertain significance (2). Last evaluated 2021-11-19.

Conditions:
Hereditary cancer-predisposing syndrome. Also called: Neoplastic Syndromes, Hereditary; Tumor predisposition; Hereditary neoplastic syndrome; Hereditary Cancer Syndrome. Identifiers: Orphanet 140162, MedGen C0027672, MeSH D009386, MONDO:0015356.
Familial adenomatous polyposis 1 (FAP1). Also called: FAMILIAL ADENOMATOUS POLYPOSIS 1, ATTENUATED; POLYPOSIS, ADENOMATOUS INTESTINAL. Identifiers: MedGen C2713442, MONDO:0021056, OMIM 175100. Disease mechanism: loss of function.

Submissions (2):

Labcorp Genetics (formerly Invitae), Labcorp
Classification: Uncertain significance for Familial adenomatous polyposis 1. Last evaluated: 2021-11-19. Review status: criteria provided, single submitter. Criteria: Invitae Variant Classification Sherloc (09022015). Collection method: clinical testing. Allele origin: germline.
Comment: Algorithms developed to predict the effect of missense changes on protein structure and function are either unavailable or do not agree on the potential impact of this missense change (SIFT: "Tolerated"; PolyPhen-2: "Possibly Damaging"; Align-GVGD: "Class C0"). This variant has not been reported in the literature in individuals affected with APC-related conditions. This variant is not present in population databases (gnomAD no frequency). This sequence change replaces glutamic acid, which is acidic and polar, with lysine, which is basic and polar, at codon 58 of the APC protein (p.Glu58Lys). In summary, the available evidence is currently insufficient to determine the role of this variant in disease. Therefore, it has been classified as a Variant of Uncertain Significance.

Ambry Genetics
Classification: Uncertain significance for Hereditary cancer-predisposing syndrome. Last evaluated: 2020-01-17. Review status: criteria provided, single submitter. Criteria: Ambry Variant Classification Scheme 2023. Collection method: clinical testing. Allele origin: germline.
Comment: The p.E58K variant (also known as c.172G>A), located in coding exon 2 of the APC gene, results from a G to A substitution at nucleotide position 172. The glutamic acid at codon 58 is replaced by lysine, an amino acid with similar properties. This amino acid position is highly conserved in available vertebrate species. In addition, in silico predictors for this gene do not accurately predict pathogenicity. Since supporting evidence is limited at this time, the clinical significance of this alteration remains unclear.

NM_000038.6(APC):c.172G>A (p.Glu58Lys)

Gene: APC (APC regulator of Wnt signaling pathway; plus strand). Cytogenetic location: 5q22.2.
Variant type: single nucleotide variant.
Coding change: c.172G>A on transcript NM_000038.6 (MANE Select); coding-DNA position 172, G replaced by A.
Protein change: p.Glu58Lys; replaces glutamic acid 58 with lysine.
Molecular consequence: missense variant. On other transcripts: 5 prime UTR variant (4).
Genome position (GRCh38, 1-based): chr5:112,766,362, G>A. VCF-style: chr5-112766362-G-A. GRCh37 (hg19) VCF-style: chr5-112102059-G-A.
Other names: c.172G>A, p.Glu58Lys (NM_001127510.3, NM_001354895.2, NM_001354896.2 and 2 more transcripts); c.202G>A, p.Glu68Lys (NM_001127511.3, NM_001354897.2, NM_001354902.2); c.97G>A, p.Glu33Lys (NM_001354898.2, NM_001354904.2); c.-6G>A (NM_001354900.2, NM_001354901.2, NM_001354905.2); c.-864G>A (NM_001354906.2); short protein forms E58K, E68K, E33K.
Identifiers: ClinVar variation 1390462 (VCV001390462.8), dbSNP rs2149784261, ClinGen allele CA16021721.